The following is an entry in ClinVar:

ClinVar aggregate classification (germline): Conflicting classifications of pathogenicity. Review status: criteria provided, conflicting classifications (1 of 4 stars). 2 submissions from 2 submitters: Uncertain significance (1); Likely benign (1). Last evaluated 2024-06-17.

Allele frequency attached by ClinVar (database versions not stated): 1000 Genomes Project 30x 0.00016; ExAC 0.00016; 1000 Genomes Project 0.00020; TOPMed 0.00023; gnomAD 0.00025; gnomAD exomes 0.00041.
gnomAD v4.1: 638 of 1,610,714 alleles (0.04%); highest among the groups gnomAD compares: Non-Finnish European, 0.051%; no homozygotes.

Submissions (2):

Ambry Genetics
Classification: Uncertain significance. Last evaluated: 2024-06-17. Review status: criteria provided, single submitter. Criteria: Ambry Variant Classification Scheme 2023. Collection method: clinical testing. Allele origin: germline.

CeGaT Center for Human Genetics Tuebingen
Classification: Likely benign. Last evaluated: 2023-10-01. Review status: criteria provided, single submitter. Criteria: CeGaT Center For Human Genetics Tuebingen Variant Classification Criteria Version 2. Collection method: clinical testing. Allele origin: germline. Affected: yes. Observed: 1 variant allele.
Comment: IRAK3: BP4

NM_007199.3(IRAK3):c.608A>G (p.Lys203Arg)

Gene: IRAK3 (interleukin 1 receptor associated kinase 3; plus strand). Cytogenetic location: 12q14.3.
Variant type: single nucleotide variant.
Coding change: c.608A>G on transcript NM_007199.3 (MANE Select); coding-DNA position 608, A replaced by G.
Protein change: p.Lys203Arg; replaces lysine 203 with arginine.
Molecular consequence: missense variant.
Genome position (GRCh38, 1-based): chr12:66,217,190, A>G. VCF-style: chr12-66217190-A-G. GRCh37 (hg19) VCF-style: chr12-66610970-A-G.
Other names: c.425A>G, p.Lys142Arg (NM_001142523.2); short protein forms K142R, K203R.
Identifiers: ClinVar variation 2317892 (VCV002317892.27), dbSNP rs139342884, ClinGen allele CA6672694.
Genomic context (GRCh38, chr12:66,217,190, plus strand): 5'-ATCCTTTCCTTAATTTTGTTCTTGTCTTTCTGTATATGTAGGAGAAAAAAATGCAGTGTA[A>G]GAAGCATTGGAAGAGGTTTTTATCTGAGCTTGAAGTTTTACTACTGTGAGTATGTTTTCT-3'
Protein context (NP_009130.2, residues 193-213): LFKQEKKMQC[Lys203Arg]KHWKRFLSEL